The following is an entry in ClinVar:

NM_004260.4(RECQL4):c.25G>A (p.Glu9Lys)

Genes: RECQL4 (RecQ like helicase 4; minus strand), LOC130001411 (ATAC-STARR-seq lymphoblastoid silent region 19699; plus strand). Cytogenetic location: 8q24.3.
Variant type: single nucleotide variant.
Coding change: c.25G>A on transcript NM_004260.4 (MANE Select); coding-DNA position 25, G replaced by A.
Protein change: p.Glu9Lys; replaces glutamic acid 9 with lysine.
Molecular consequence: missense variant.
Genome position (GRCh38, 1-based): chr8:144,517,760, C>T on the plus strand (G>A on the coding strand, the complement: RECQL4 is on the minus strand). VCF-style: chr8-144517760-C-T. GRCh37 (hg19) VCF-style: chr8-145743144-C-T.
Other names: short protein forms E9K.
Identifiers: ClinVar variation 529004 (VCV000529004.13), dbSNP rs1035057882, ClinGen allele CA187691308.

ClinVar aggregate classification (germline): Conflicting classifications of pathogenicity. Review status: criteria provided, conflicting classifications (1 of 4 stars). 6 submissions from 6 submitters: Uncertain significance (5); Likely benign (1). Last evaluated 2026-07-20.

Conditions:
Rothmund-Thomson syndrome type 2 (RTS2). Identifiers: Orphanet 221016, MedGen C5203410, MONDO:0016369, OMIM 268400.
RECQL4-related disorder. Also called: RECQL4-related condition; RECQL4-related disorders.
Inborn genetic diseases. Identifiers: MedGen C0950123, MeSH D030342.
Hereditary cancer-predisposing syndrome. Also called: Hereditary neoplastic syndrome; Hereditary Cancer Syndrome; Neoplastic Syndromes, Hereditary; Tumor predisposition. Identifiers: Orphanet 140162, MedGen C0027672, MeSH D009386, MONDO:0015356.
Baller-Gerold syndrome (BGS). Also called: CRANIOSYNOSTOSIS WITH RADIAL DEFECTS. Identifiers: Orphanet 1225, MedGen C0265308, MONDO:0009039, OMIM 218600.

Allele frequency attached by ClinVar (database versions not stated): gnomAD exomes 0.00004 and 0.00006; 1000 Genomes Project 30x 0.00031; gnomAD 0.00040 and 0.00042; TOPMed 0.00056.
gnomAD v4.1: 116 of 1,302,312 alleles (0.0089%); highest among the groups gnomAD compares: African/African-American, 0.14%; no homozygotes.

Submissions (6):

PreventionGenetics, part of Exact Sciences
Classification: Uncertain significance for RECQL4-related condition. Last evaluated: 2026-07-20. Review status: criteria provided, single submitter. Criteria: ACMG Guidelines, 2015. Collection method: clinical testing. Allele origin: germline.
Comment: The RECQL4 c.25G>A variant is predicted to result in the amino acid substitution p.Glu9Lys. To our knowledge, this variant has not been reported in the literature. This variant is reported in 0.15% of alleles in individuals of African descent in gnomAD. This variant has conflicting classifications in ClinVar, ranging from uncertain to likely benign (Variation ID: 529004). Although we suspect that this variant may be benign, at this time, the clinical significance of this variant is uncertain due to the absence of conclusive functional and genetic evidence.

Labcorp Genetics (formerly Invitae), Labcorp
Classification: Uncertain significance for Baller-Gerold syndrome. Last evaluated: 2025-01-11. Review status: criteria provided, single submitter. Criteria: Invitae Variant Classification Sherloc (09022015). Collection method: clinical testing. Allele origin: germline.
Comment: This sequence change replaces glutamic acid, which is acidic and polar, with lysine, which is basic and polar, at codon 9 of the RECQL4 protein (p.Glu9Lys). The frequency data for this variant in the population databases is considered unreliable, as metrics indicate poor data quality at this position in the gnomAD database. This variant has not been reported in the literature in individuals affected with RECQL4-related conditions. ClinVar contains an entry for this variant (Variation ID: 529004). Experimental studies and prediction algorithms are not available or were not evaluated, and the functional significance of this variant is currently unknown. In summary, the available evidence is currently insufficient to determine the role of this variant in disease. Therefore, it has been classified as a Variant of Uncertain Significance.

St. Jude Molecular Pathology, St. Jude Children's Research Hospital
Classification: Uncertain significance for Rothmund-Thomson syndrome type 2. Last evaluated: 2023-07-06. Review status: criteria provided, single submitter. Criteria: St. Jude Assertion Criteria 2020. Collection method: clinical testing. Allele origin: germline.
Comment: The RECQL4 c.25G>A (p.Glu9Lys) missense change has a maximum subpopulation frequency of 0.15% in gnomAD v2.1.1, however this data may be unreliable due to poor data quality at this location. In silico tools predict a benign effect on protein function, and to our knowledge functional studies have not been performed. To our knowledge, this variant has not been reported in RECQL4-related disorders. In summary, the evidence currently available is insufficient to determine the clinical significance of this variant. It has therefore been classified as of uncertain significance.

Sema4
Classification: Uncertain significance for Hereditary cancer-predisposing syndrome. Last evaluated: 2021-04-23. Review status: criteria provided, single submitter. Criteria: Sema4 Curation Guidelines. Collection method: curation. Allele origin: germline.
Comment: The RECQL4 c.25G>A (p.E9K) variant has not been reported in individuals with RECQL4-related disease to our knowledge. It was observed in 13/8922 chromosomes of the African/African American subpopulation, with no homozygotes, in the large and broad cohorts of the Genome Aggregation Database. The variant has been reported in ClinVar (Variation ID 529004). In silico tools suggest the impact of the variant on protein function is benign, though these predictions have not been confirmed by functional studies. The evidence is insufficient to meet ACMG/AMP criteria for classifying the variant as benign or pathogenic. Thus, the clinical significance of this variant is currently uncertain.

Ambry Genetics
Classification: Uncertain significance for Inborn genetic diseases. Last evaluated: 2021-01-06. Review status: criteria provided, single submitter. Criteria: Ambry Variant Classification Scheme 2023. Collection method: clinical testing. Allele origin: germline.
Comment: The c.25G>A (p.E9K) alteration is located in exon 1 (coding exon 1) of the RECQL4 gene. This alteration results from a G to A substitution at nucleotide position 25, causing the glutamic acid (E) at amino acid position 9 to be replaced by a lysine (K). The p.E9K alteration is predicted to be tolerated by in silico analysis. Based on insufficient or conflicting evidence, the clinical significance of this alteration remains unclear.

GeneDx
Classification: Likely benign. Last evaluated: 2020-12-30. Review status: criteria provided, single submitter. Criteria: GeneDx Variant Classification Process June 2021. Collection method: clinical testing. Allele origin: germline. Affected: yes.